The following is an entry in ClinVar:

NM_012268.4(PLD3):c.880-8G>A

Gene: PLD3 (phospholipase D family member 3; plus strand). Cytogenetic location: 19q13.2.
Variant type: single nucleotide variant.
Coding change: c.880-8G>A on transcript NM_012268.4 (MANE Select); 8 bases into the intron before coding-DNA position 880, G replaced by A.
Molecular consequence: intron variant.
Genome position (GRCh38, 1-based): chr19:40,374,473, G>A. VCF-style: chr19-40374473-G-A. GRCh37 (hg19) VCF-style: chr19-40880380-G-A.
Other names: p.?; c.880-8G>A (NM_012268.3, NM_001031696.4, NM_001291311.2).
Identifiers: ClinVar variation 1985142 (VCV001985142.7), dbSNP rs183821939, ClinGen allele CA9442859.

ClinVar aggregate classification (germline): Likely benign. Review status: criteria provided, multiple submitters, no conflicts (2 of 4 stars). 3 submissions from 3 submitters: Likely benign (2). 1 of the submissions does not count toward it. Last evaluated 2025-08-29.

Conditions:
PLD3-related disorder. Also called: PLD3-related condition.

Allele frequency attached by ClinVar (database versions not stated): gnomAD exomes 0.00007; TOPMed 0.00007; ExAC 0.00010; gnomAD 0.00015; 1000 Genomes Project 30x 0.00031; 1000 Genomes Project 0.00040.
gnomAD v4.1: 120 of 1,613,818 alleles (0.0074%); highest among the groups gnomAD compares: East Asian, 0.027%; no homozygotes.

Submissions (3):

Labcorp Genetics (formerly Invitae), Labcorp
Classification: Likely benign. Last evaluated: 2025-08-29. Review status: criteria provided, single submitter. Criteria: Invitae Variant Classification Sherloc (09022015). Collection method: clinical testing. Allele origin: germline.

Mayo Clinic Laboratories, Mayo Clinic
Classification: Likely benign. Last evaluated: 2024-11-19. Review status: criteria provided, single submitter. Criteria: ACMG Guidelines, 2015. Collection method: clinical testing. Allele origin: germline. Observed: 2 variant alleles.
Comment: BS2, BP4, BP7

PreventionGenetics, part of Exact Sciences
Classification: Likely benign for PLD3-related condition. Last evaluated: 2019-08-29. Review status: no assertion criteria provided. Collection method: clinical testing. Allele origin: germline. Not counted in ClinVar's aggregate classification.
Comment: This variant is classified as likely benign based on ACMG/AMP sequence variant interpretation guidelines (Richards et al. 2015 PMID: 25741868, with internal and published modifications).